The following is an entry in ClinVar:

ClinVar aggregate classification (germline): Uncertain significance. Review status: criteria provided, multiple submitters, no conflicts (2 of 4 stars). 2 submissions from 2 submitters: Uncertain significance (2). Last evaluated 2025-09-29.

Conditions:
SEMA3F-related disorder. Also called: SEMA3F-related condition.

gnomAD v4.1: 8 of 1,543,170 alleles (0.00052%); highest among the groups gnomAD compares: African/African-American, 0.0041%; no homozygotes.

Submissions (2):

Ambry Genetics
Classification: Uncertain significance. Last evaluated: 2025-09-29. Review status: criteria provided, single submitter. Criteria: Ambry Variant Classification Scheme 2023. Collection method: clinical testing. Allele origin: germline.

PreventionGenetics, part of Exact Sciences
Classification: Uncertain significance for SEMA3F-related condition. Last evaluated: 2025-04-03. Review status: criteria provided, single submitter. Criteria: ACMG Guidelines, 2015. Collection method: clinical testing. Allele origin: germline.
Comment: The SEMA3F c.2326C>T variant is predicted to result in the amino acid substitution p.Arg776Trp. To our knowledge, this variant has not been reported in the literature. This variant is reported in 0.011% of alleles in individuals of African descent in gnomAD. At this time, the clinical significance of this variant is uncertain due to the absence of conclusive functional and genetic evidence.

NM_004186.5(SEMA3F):c.2326C>T (p.Arg776Trp)

Gene: SEMA3F (semaphorin 3F; plus strand). Cytogenetic location: 3p21.31.
Variant type: single nucleotide variant.
Coding change: c.2326C>T on transcript NM_004186.5 (MANE Select); coding-DNA position 2326, C replaced by T.
Protein change: p.Arg776Trp; replaces arginine 776 with tryptophan.
Molecular consequence: missense variant.
Genome position (GRCh38, 1-based): chr3:50,188,083, C>T. VCF-style: chr3-50188083-C-T. GRCh37 (hg19) VCF-style: chr3-50225516-C-T.
Other names: c.2029C>T, p.Arg677Trp (NM_001318798.2); c.2233C>T, p.Arg745Trp (NM_001318800.2); c.2326C>T (NM_004186.4); short protein forms R677W, R745W, R776W.
Identifiers: ClinVar variation 4582161 (VCV004582161.2).
Genomic context (GRCh38, chr3:50,188,083, plus strand): 5'-AGCCCCAGGGAGGCTCCAGGGGCACCCCGGTCTCCTGAGCCCCAGGACCAGAAAAAGCCC[C>T]GGAACCGCCGGCACCACCCTCCGGACACATGAGGCCAGCTGCCTGTGCCTGCCATGGGCC-3'
Protein context (NP_004177.3, residues 766-785): SPEPQDQKKP[Arg776Trp]NRRHHPPDT